The following is an entry in ClinVar:

ClinVar aggregate classification (germline): Benign/Likely benign. Review status: criteria provided, multiple submitters, no conflicts (2 of 4 stars). 5 submissions from 5 submitters: Benign (4); Likely benign (1). Last evaluated 2026-02-04.

Conditions:
Severe combined immunodeficiency due to LCK deficiency. Also called: Immunodeficiency 22. Identifiers: Orphanet 280142, MedGen C4014233, MONDO:0014334, OMIM 615758.

Allele frequency attached by ClinVar (database versions not stated): ESP Exome Variant Server 0.00115; gnomAD exomes 0.00358 and 0.01551; gnomAD 0.01058 and 0.01107; ExAC 0.01185; TOPMed 0.01857; 1000 Genomes Project 0.02736; 1000 Genomes Project 30x 0.03092.
gnomAD v4.1: 7,012 of 1,607,346 alleles (0.44%); highest among the groups gnomAD compares: Admixed American, 11%; 456 homozygotes.

Submissions (5):

Labcorp Genetics (formerly Invitae), Labcorp
Classification: Benign for Severe combined immunodeficiency due to LCK deficiency. Last evaluated: 2026-02-04. Review status: criteria provided, single submitter. Criteria: Invitae Variant Classification Sherloc (09022015). Collection method: clinical testing. Allele origin: germline.

Women's Health and Genetics/Laboratory Corporation of America, LabCorp
Classification: Likely benign. Last evaluated: 2026-01-21. Review status: criteria provided, single submitter. Criteria: LabCorp Variant Classification Summary - May 2015. Collection method: clinical testing. Allele origin: germline.

Unidad de Genómica Garrahan, Hospital de Pediatría Garrahan
Classification: Benign. Last evaluated: 2023-11-12. Review status: criteria provided, single submitter. Criteria: ACMG Guidelines, 2015. Collection method: clinical testing. Allele origin: germline. Affected: no. Observed: 21 variant alleles.
Comment: This variant is classified as Benign based on local population frequency. This variant was detected in 22% of patients studied by a panel of primary immunodeficiencies. Number of patients: 21. Only high quality variants are reported.

GeneDx
Classification: Benign. Last evaluated: 2018-11-12. Review status: criteria provided, single submitter. Criteria: GeneDx Variant Classification Process June 2021. Collection method: clinical testing. Allele origin: germline. Affected: yes.

Breakthrough Genomics
Classification: Benign. Review status: criteria provided, single submitter. Criteria: ACMG Guidelines, 2015. Collection method: not provided. Allele origin: germline. Inheritance: Autosomal recessive inheritance. Affected: yes.

NM_005356.5(LCK):c.134G>A (p.Arg45Gln)

Gene: LCK (LCK proto-oncogene, Src family tyrosine kinase; plus strand). Cytogenetic location: 1p35.2.
Variant type: single nucleotide variant.
Coding change: c.134G>A on transcript NM_005356.5 (MANE Select); coding-DNA position 134, G replaced by A.
Protein change: p.Arg45Gln; replaces arginine 45 with glutamine.
Molecular consequence: missense variant.
Genome position (GRCh38, 1-based): chr1:32,274,765, G>A. VCF-style: chr1-32274765-G-A. GRCh37 (hg19) VCF-style: chr1-32740366-G-A.
Other names: c.134G>A, p.Arg45Gln (NM_001042771.3, NM_001330468.2); short protein forms R45Q.
Identifiers: ClinVar variation 474985 (VCV000474985.16), dbSNP rs145088108, ClinGen allele CA740992.
Genomic context (GRCh38, chr1:32,274,765, plus strand): 5'-TTCTGACCCCACCCTCATCCCCCACTCCACAGCTGCTCATCCGAAATGGCTCTGAGGTGC[G>A]GGACCCACTGGTTACCTACGAAGGCTCCAATCCGCCGGCTTCCCCACTGCAAGGTGACCC-3'
Protein context (NP_005347.3, residues 35-55): TLLIRNGSEV[Arg45Gln]DPLVTYEGSN